The following is an entry in ClinVar:

NM_003072.5(SMARCA4):c.2681C>G (p.Thr894Arg)

Gene: SMARCA4 (SWI/SNF related BAF chromatin remodeling complex subunit ATPase 4; plus strand). Cytogenetic location: 19p13.2.
Variant type: single nucleotide variant.
Coding change: c.2681C>G on transcript NM_003072.5 (MANE Select); coding-DNA position 2681, C replaced by G.
Protein change: p.Thr894Arg; replaces threonine 894 with arginine.
Molecular consequence: missense variant. On other transcripts: non-coding transcript variant (1).
Genome position (GRCh38, 1-based): chr19:11,021,789, C>G. VCF-style: chr19-11021789-C-G. GRCh37 (hg19) VCF-style: chr19-11132465-C-G.
Other names: c.2681C>G (NM_001128849.1); c.2681C>G, p.Thr894Arg (NM_001128844.3, NM_001128845.2, NM_001128846.2 and 6 more transcripts); short protein forms T894R.
Identifiers: ClinVar variation 1990605 (VCV001990605.5), dbSNP rs2089893983, ClinGen allele CA404055978.

ClinVar aggregate classification (germline): Conflicting classifications of pathogenicity. Review status: criteria provided, conflicting classifications (1 of 4 stars). 2 submissions from 2 submitters: Likely pathogenic (1); Uncertain significance (1). Last evaluated 2025-07-29.

Conditions:
Rhabdoid tumor predisposition syndrome 2 (RTPS2). Identifiers: Orphanet 231108, Orphanet 69077, MedGen C2750074, MONDO:0013224, OMIM 613325.

Submissions (2):

GeneDx
Classification: Uncertain significance. Last evaluated: 2025-07-29. Review status: criteria provided, single submitter. Criteria: GeneDx Variant Classification Process June 2021. Collection method: clinical testing. Allele origin: germline. Affected: yes.
Comment: Not observed at significant frequency in large population cohorts (gnomAD); In silico analysis supports that this missense variant has a deleterious effect on protein structure/function; Has not been previously published as pathogenic or benign to our knowledge; This variant is associated with the following publications: (PMID: 24658002)

Labcorp Genetics (formerly Invitae), Labcorp
Classification: Likely pathogenic for Rhabdoid tumor predisposition syndrome 2. Last evaluated: 2022-11-29. Review status: criteria provided, single submitter. Criteria: Invitae Variant Classification Sherloc (09022015). Collection method: clinical testing. Allele origin: germline.
Comment: This sequence change replaces threonine, which is neutral and polar, with arginine, which is basic and polar, at codon 894 of the SMARCA4 protein (p.Thr894Arg). This variant is not present in population databases (gnomAD no frequency). This variant has not been reported in the literature in individuals affected with SMARCA4-related conditions. Advanced modeling of protein sequence and biophysical properties (such as structural, functional, and spatial information, amino acid conservation, physicochemical variation, residue mobility, and thermodynamic stability) performed at Invitae indicates that this missense variant is expected to disrupt SMARCA4 protein function. This variant disrupts the p.Thr894 amino acid residue in SMARCA4. Other variant(s) that disrupt this residue have been determined to be pathogenic (PMID: 32686290). This suggests that this residue is clinically significant, and that variants that disrupt this residue are likely to be disease-causing. In summary, the currently available evidence indicates that the variant is pathogenic, but additional data are needed to prove that conclusively. Therefore, this variant has been classified as Likely Pathogenic.

Literature cited by the submitters: PubMed 32686290 (cited by Labcorp Genetics (formerly Invitae), Labcorp).